The following is an entry in ClinVar:

ClinVar aggregate classification (germline): Pathogenic (1 of 4 stars; one submission).

Conditions:
DNA ligase IV deficiency. Identifiers: Orphanet 99812, MedGen C1847827, MONDO:0011686, OMIM 606593.

Submission:

Labcorp Genetics (formerly Invitae), Labcorp
Classification: Pathogenic for DNA ligase IV deficiency. Last evaluated: 2023-09-27. Review status: criteria provided, single submitter. Criteria: Invitae Variant Classification Sherloc (09022015). Collection method: clinical testing. Allele origin: germline.
Comment: For these reasons, this variant has been classified as Pathogenic. This variant disrupts a region of the LIG4 protein in which other variant(s) (p.Arg814*) have been determined to be pathogenic (PMID: 11779494, 15333585, 24892279, 27063650). This suggests that this is a clinically significant region of the protein, and that variants that disrupt it are likely to be disease-causing. This variant has not been reported in the literature in individuals affected with LIG4-related conditions. This variant is present in population databases (no rsID available, gnomAD 0.0009%). This sequence change creates a premature translational stop signal (p.Pro528Leufs*57) in the LIG4 gene. While this is not anticipated to result in nonsense mediated decay, it is expected to disrupt the last 384 amino acid(s) of the LIG4 protein.

Literature cited by the submitters: PubMed 11779494; PubMed 15333585; PubMed 24892279; PubMed 27063650.

NM_206937.2(LIG4):c.1583del (p.Pro528fs)

Gene: LIG4 (DNA ligase 4; minus strand). Cytogenetic location: 13q33.3.
Variant type: Deletion.
Coding change: c.1583del on transcript NM_206937.2 (MANE Select); coding-DNA position 1583, one base deleted (C; older notation c.1583delC).
Protein change: p.Pro528fs; shifts the reading frame from proline 528.
Molecular consequence: frameshift variant.
Genome position (GRCh38, 1-based): chr13:108,209,686, G deleted on the plus strand (C on the coding strand, the reverse complement: LIG4 is on the minus strand); the first of 2 consecutive G bases (chr13:108,209,686-108,209,687); deleting either gives the same sequence. VCF-style (leftmost placement, unchanged base first): chr13-108209685-AG-A. GRCh37 (hg19) VCF-style: chr13-108862033-AG-A.
Other names: c.1583del, p.Pro528fs (NM_001352599.2, NM_001098268.2, NM_001379095.1 and 6 more transcripts); c.1619del, p.Pro540fs (NM_001352604.2); c.1382del, p.Pro461fs (NM_001330595.2); short protein forms P528fs, P461fs, P540fs.
Identifiers: ClinVar variation 2896057 (VCV002896057.3), dbSNP rs1307623377, ClinGen allele CA612360451.